The following is an entry in ClinVar:

NM_000059.4(BRCA2):c.1454delinsTGTATT (p.Lys485fs)

Gene: BRCA2 (BRCA2 DNA repair associated; plus strand). Cytogenetic location: 13q13.1.
Variant type: Indel.
Coding change: c.1454delinsTGTATT on transcript NM_000059.4 (MANE Select); coding-DNA position 1454, A replaced by TGTATT.
Protein change: p.Lys485fs; shifts the reading frame from lysine 485.
Molecular consequence: frameshift variant.
Genome position (GRCh38, 1-based): chr13:32,332,932, A replaced by TGTATT. VCF-style: chr13-32332932-A-TGTATT. GRCh37 (hg19) VCF-style: chr13-32907069-A-TGTATT.
Other names: c.1454delAinsTGTATT (NM_000059.3); short protein forms K485fs.
Identifiers: ClinVar variation 965701 (VCV000965701.6), dbSNP rs2072413505, ClinGen allele CA1139663109.
Genomic context (GRCh38, chr13:32,332,932, plus strand): 5'-TAAATAAGAGAGATGAAGAGCAGCATCTTGAATCTCATACAGACTGCATTCTTGCAGTAA[A>TGTATT]GCAGGCAATATCTGGAACTTCTCCAGTGGCTTCTTCATTTCAGGGTATCAAAAAGTCTAT-3'

ClinVar aggregate classification (germline): Pathogenic. Review status: criteria provided, multiple submitters, no conflicts (2 of 4 stars). 2 submissions from 2 submitters: Pathogenic (2). Last evaluated 2023-02-27.

Conditions:
Hereditary cancer-predisposing syndrome. Also called: Hereditary neoplastic syndrome; Neoplastic Syndromes, Hereditary; Hereditary Cancer Syndrome; Tumor predisposition. Identifiers: Orphanet 140162, MedGen C0027672, MeSH D009386, MONDO:0015356.
Hereditary breast ovarian cancer syndrome. Also called: Hereditary breast and ovarian cancer; Hereditary breast and/or ovarian cancer syndrome; Hereditary breast and ovarian cancer syndrome; Hereditary breast and ovarian cancer syndrome (HBOC); Breast and ovarian cancer; BRCA1- and BRCA2-Associated Hereditary Breast and Ovarian Cancer. Identifiers: Orphanet 145, MedGen C0677776, MeSH D061325, MONDO:0003582. Disease mechanism: loss of function.

Submissions (2):

Labcorp Genetics (formerly Invitae), Labcorp
Classification: Pathogenic for Hereditary breast ovarian cancer syndrome. Last evaluated: 2023-02-27. Review status: criteria provided, single submitter. Criteria: Invitae Variant Classification Sherloc (09022015). Collection method: clinical testing. Allele origin: germline.
Comment: This sequence change creates a premature translational stop signal (p.Lys485Metfs*26) in the BRCA2 gene. It is expected to result in an absent or disrupted protein product. Loss-of-function variants in BRCA2 are known to be pathogenic (PMID: 20104584). For these reasons, this variant has been classified as Pathogenic. This variant has not been reported in the literature in individuals affected with BRCA2-related conditions. This variant is not present in population databases (gnomAD no frequency).

Ambry Genetics
Classification: Pathogenic for Hereditary cancer-predisposing syndrome. Last evaluated: 2022-01-23. Review status: criteria provided, single submitter. Criteria: Ambry Variant Classification Scheme 2023. Collection method: clinical testing. Allele origin: germline.
Comment: The c.1454delAinsTGTATT pathogenic mutation, located in coding exon 9 of the BRCA2 gene, results from the deletion of one nucleotide and insertion of 6 nucleotides causing a translational frameshift with a predicted alternate stop codon (p.K485Mfs*26). This alteration is expected to result in loss of function by premature protein truncation or nonsense-mediated mRNA decay. As such, this alteration is interpreted as a disease-causing mutation.

Literature cited by the submitters: PubMed 20104584 (cited by Labcorp Genetics (formerly Invitae), Labcorp).